The following is an entry in ClinVar:

ClinVar aggregate classification (germline): Benign/Likely benign. Review status: criteria provided, multiple submitters, no conflicts (2 of 4 stars). 5 submissions from 5 submitters: Benign (2); Likely benign (3). Last evaluated 2026-01-01.

Allele frequency attached by ClinVar (database versions not stated): 1000 Genomes Project 0.00026; ExAC 0.00027; gnomAD exomes 0.00033; 1000 Genomes Project 30x 0.00042; gnomAD 0.00051 and 0.00053; TOPMed 0.00056; ESP Exome Variant Server 0.00057.
gnomAD v4.1: 955 of 1,208,523 alleles (0.079%); highest among the groups gnomAD compares: Non-Finnish European, 0.099%; no homozygotes.

Submissions (5):

Labcorp Genetics (formerly Invitae), Labcorp
Classification: Benign. Last evaluated: 2026-01-01. Review status: criteria provided, single submitter. Criteria: Invitae Variant Classification Sherloc (09022015). Collection method: clinical testing. Allele origin: germline.

Blueprint Genetics
Classification: Likely benign. Last evaluated: 2024-06-27. Review status: criteria provided, single submitter. Criteria: ACMG Guidelines, 2015. Collection method: clinical testing. Allele origin: germline.

CeGaT Center for Human Genetics Tuebingen
Classification: Likely benign. Last evaluated: 2022-10-01. Review status: criteria provided, single submitter. Criteria: CeGaT Center For Human Genetics Tuebingen Variant Classification Criteria Version 2. Collection method: clinical testing. Allele origin: germline. Affected: yes. Observed: 2 variant alleles.
Comment: HUWE1: BP4, BP7

GeneDx
Classification: Benign. Last evaluated: 2020-03-24. Review status: criteria provided, single submitter. Criteria: GeneDx Variant Classification Process June 2021. Collection method: clinical testing. Allele origin: germline. Affected: yes.

Genetic Services Laboratory, University of Chicago
Classification: Likely benign. Last evaluated: 2016-03-22. Review status: criteria provided, single submitter. Criteria: ACMG Guidelines, 2015. Collection method: clinical testing. Allele origin: germline. Affected: no.

NM_031407.7(HUWE1):c.8298A>G (p.Gln2766=)

Gene: HUWE1 (HECT, UBA and WWE domain containing E3 ubiquitin protein ligase 1; minus strand). Cytogenetic location: Xp11.22.
Variant type: single nucleotide variant.
Coding change: c.8298A>G on transcript NM_031407.7 (MANE Select); coding-DNA position 8298, A replaced by G.
Protein change: p.Gln2766=; no amino-acid change (glutamine 2766 retained).
Molecular consequence: synonymous variant.
Genome position (GRCh38, 1-based): chrX:53,554,829, T>C on the plus strand (A>G on the coding strand, the complement: HUWE1 is on the minus strand). VCF-style: chrX-53554829-T-C. GRCh37 (hg19) VCF-style: chrX-53581790-T-C.
Identifiers: ClinVar variation 435477 (VCV000435477.41), dbSNP rs202214456, ClinGen allele CA10421805.